The following is an entry in ClinVar:

ClinVar aggregate classification (germline): Uncertain significance. Review status: criteria provided, multiple submitters, no conflicts (2 of 4 stars). 2 submissions from 2 submitters: Uncertain significance (2). Last evaluated 2024-06-11.

Conditions:
Inborn genetic diseases. Identifiers: MedGen C0950123, MeSH D030342.

Allele frequency attached by ClinVar (database versions not stated): gnomAD 0.00002 and 0.00003.
gnomAD v4.1: 16 of 1,614,064 alleles (0.00099%); highest among the groups gnomAD compares: Admixed American, 0.005%; no homozygotes.

Submissions (2):

Ambry Genetics
Classification: Uncertain significance for Inborn genetic diseases. Last evaluated: 2024-06-11. Review status: criteria provided, single submitter. Criteria: Ambry Variant Classification Scheme 2023. Collection method: clinical testing. Allele origin: germline.

Labcorp Genetics (formerly Invitae), Labcorp
Classification: Uncertain significance. Last evaluated: 2020-11-26. Review status: criteria provided, single submitter. Criteria: Invitae Variant Classification Sherloc (09022015). Collection method: clinical testing. Allele origin: germline.
Comment: In summary, the available evidence is currently insufficient to determine the role of this variant in disease. Therefore, it has been classified as a Variant of Uncertain Significance. Advanced modeling of protein sequence and biophysical properties (such as structural, functional, and spatial information, amino acid conservation, physicochemical variation, residue mobility, and thermodynamic stability) performed at Invitae indicates that this missense variant is not expected to disrupt PCDH12 protein function. This variant has not been reported in the literature in individuals with PCDH12-related conditions. This variant is present in population databases (rs746450107, ExAC 0.01%). This sequence change replaces glutamic acid with glutamine at codon 867 of the PCDH12 protein (p.Glu867Gln). The glutamic acid residue is moderately conserved and there is a small physicochemical difference between glutamic acid and glutamine.

NM_016580.4(PCDH12):c.2599G>C (p.Glu867Gln)

Genes: PCDH12 (protocadherin 12; minus strand), RNF14 (ring finger protein 14; plus strand). Cytogenetic location: 5q31.3.
Variant type: single nucleotide variant.
Coding change: c.2599G>C on transcript NM_016580.4 (MANE Select); coding-DNA position 2599, G replaced by C.
Protein change: p.Glu867Gln; replaces glutamic acid 867 with glutamine.
Molecular consequence: missense variant.
Genome position (GRCh38, 1-based): chr5:141,955,253, C>G on the plus strand (G>C on the coding strand, the complement: PCDH12 is on the minus strand). VCF-style: chr5-141955253-C-G. GRCh37 (hg19) VCF-style: chr5-141334818-C-G.
Other names: c.2599G>C (NM_016580.2); short protein forms E867Q.
Identifiers: ClinVar variation 1375775 (VCV001375775.9), dbSNP rs746450107, ClinGen allele CA3484178.